The following is an entry in ClinVar:

ClinVar aggregate classification (germline): Conflicting classifications of pathogenicity. Review status: criteria provided, conflicting classifications (1 of 4 stars). 4 submissions from 4 submitters: Uncertain significance (2); Likely benign (2). Last evaluated 2025-12-26.

Conditions:
POMK-related disorder. Also called: POMK-related condition.
Limb-girdle muscular dystrophy due to POMK deficiency. Also called: Muscular dystrophy-dystroglycanopathy (limb-girdle), type c, 12; MUSCULAR DYSTROPHY-DYSTROGLYCANOPATHY, LIMB-GIRDLE, POMK-RELATED. Identifiers: Orphanet 445110, MedGen C4015184, MONDO:0014489, OMIM 616094.
Muscular dystrophy-dystroglycanopathy (congenital with brain and eye anomalies), type a, 12 (MDDGA12). Also called: WALKER-WARBURG SYNDROME OR MUSCLE-EYE-BRAIN DISEASE, POMK-RELATED. Identifiers: Orphanet 899, MedGen C3808964, MONDO:0014101, OMIM 615249.

Allele frequency attached by ClinVar (database versions not stated): gnomAD exomes 0.00008 and 0.00021; ExAC 0.00021; gnomAD 0.00076 and 0.00080; 1000 Genomes Project 0.00080; TOPMed 0.00090; ESP Exome Variant Server 0.00108; 1000 Genomes Project 30x 0.00109.
gnomAD v4.1: 247 of 1,612,976 alleles (0.015%); highest among the groups gnomAD compares: African/African-American, 0.26%; 1 homozygote.

Submissions (4):

Labcorp Genetics (formerly Invitae), Labcorp
Classification: Likely benign for Muscular dystrophy-dystroglycanopathy (congenital with brain and eye anomalies), type a, 12; Limb-girdle muscular dystrophy due to POMK deficiency. Last evaluated: 2025-12-26. Review status: criteria provided, single submitter. Criteria: Invitae Variant Classification Sherloc (09022015). Collection method: clinical testing. Allele origin: germline.

PreventionGenetics, part of Exact Sciences
Classification: Likely benign for POMK-related condition. Last evaluated: 2024-10-21. Review status: criteria provided, single submitter. Criteria: ACMG Guidelines, 2015. Collection method: clinical testing. Allele origin: germline.
Comment: This variant is classified as likely benign based on ACMG/AMP sequence variant interpretation guidelines (Richards et al. 2015 PMID: 25741868, with internal and published modifications).

Revvity Omics, Revvity
Classification: Uncertain significance. Last evaluated: 2024-01-21. Review status: criteria provided, single submitter. Criteria: ACMG Guidelines, 2015. Collection method: clinical testing. Allele origin: germline.

GeneDx
Classification: Uncertain significance. Last evaluated: 2020-01-03. Review status: criteria provided, single submitter. Criteria: GeneDx Variant Classification Process June 2021. Collection method: clinical testing. Allele origin: germline. Affected: yes.
Comment: In silico analysis, which includes protein predictors and evolutionary conservation, supports that this variant does not alter protein structure/function; Has not been previously published as pathogenic or benign to our knowledge

NM_032237.5(POMK):c.20A>G (p.Asn7Ser)

Gene: POMK (protein O-mannose kinase; plus strand). Cytogenetic location: 8p11.21.
Variant type: single nucleotide variant.
Coding change: c.20A>G on transcript NM_032237.5 (MANE Select); coding-DNA position 20, A replaced by G.
Protein change: p.Asn7Ser; replaces asparagine 7 with serine.
Molecular consequence: missense variant.
Genome position (GRCh38, 1-based): chr8:43,103,568, A>G. VCF-style: chr8-43103568-A-G. GRCh37 (hg19) VCF-style: chr8-42958711-A-G.
Other names: c.20A>G, p.Asn7Ser (NM_001277971.2); short protein forms N7S.
Identifiers: ClinVar variation 432418 (VCV000432418.16), dbSNP rs143957574, ClinGen allele CA4736167.